The following is an entry in ClinVar:

ClinVar aggregate classification (germline): Uncertain significance (1 of 4 stars; one submission).

Conditions:
Pheochromocytoma/paraganglioma syndrome 3. Also called: SDHC-Related Hereditary Paraganglioma-Pheochromocytoma Syndrome (Paragangliomas 3); SDHC-Related Hereditary Paraganglioma-Pheochromocytoma Syndrome; GLOMUS TUMORS, FAMILIAL, 3; Paragangliomas 3. Identifiers: Orphanet 29072, MedGen C1854336, MONDO:0011544, OMIM 605373.
Gastrointestinal stromal tumor. Also called: Gastrointestinal stromal tumor, somatic; Gastrointestinal stroma tumor. Identifiers: Orphanet 44890, MedGen C0238198, MeSH D046152, MONDO:0011719, OMIM 606764, HP:0100723.

Submission:

Labcorp Genetics (formerly Invitae), Labcorp
Classification: Uncertain significance for Pheochromocytoma/paraganglioma syndrome 3; Gastrointestinal stromal tumor. Last evaluated: 2022-03-19. Review status: criteria provided, single submitter. Criteria: Invitae Variant Classification Sherloc (09022015). Collection method: clinical testing. Allele origin: germline.
Comment: This variant has not been reported in the literature in individuals affected with SDHC-related conditions. This variant is not present in population databases (gnomAD no frequency). This sequence change replaces methionine, which is neutral and non-polar, with threonine, which is neutral and polar, at codon 164 of the SDHC protein (p.Met164Thr). In summary, the available evidence is currently insufficient to determine the role of this variant in disease. Therefore, it has been classified as a Variant of Uncertain Significance. Algorithms developed to predict the effect of missense changes on protein structure and function (SIFT, PolyPhen-2, Align-GVGD) all suggest that this variant is likely to be tolerated.

NM_003001.5(SDHC):c.491T>C (p.Met164Thr)

Gene: SDHC (succinate dehydrogenase complex subunit C; plus strand). Cytogenetic location: 1q23.3.
Variant type: single nucleotide variant.
Coding change: c.491T>C on transcript NM_003001.5 (MANE Select); coding-DNA position 491, T replaced by C.
Protein change: p.Met164Thr; replaces methionine 164 with threonine.
Molecular consequence: missense variant. On other transcripts: synonymous variant (3), non-coding transcript variant (1).
Genome position (GRCh38, 1-based): chr1:161,362,414, T>C. VCF-style: chr1-161362414-T-C. GRCh37 (hg19) VCF-style: chr1-161332204-T-C.
Other names: c.327T>C, p.Tyr109= (NM_001035511.3); c.389T>C, p.Met130Thr (NM_001035512.3); c.332T>C, p.Met111Thr (NM_001035513.3); c.225T>C, p.Tyr75= (NM_001278172.3); c.611T>C, p.Met204Thr (NM_001407115.1); c.434T>C, p.Met145Thr (NM_001407116.1); c.428T>C, p.Met143Thr (NM_001407117.1); c.383T>C, p.Met128Thr (NM_001407118.1); and 2 more; short protein forms M143T, M145T, M127T, M164T, M111T, M128T, M130T, M204T.
Identifiers: ClinVar variation 1921377 (VCV001921377.5), dbSNP rs2526573677, ClinGen allele CA343457943.